The following is an entry in ClinVar:

NM_015909.4(NBAS):c.2773_2774delinsTG (p.Asp925Cys)

Gene: NBAS (NBAS subunit of NRZ tethering complex; minus strand). Cytogenetic location: 2p24.3.
Variant type: Indel.
Coding change: c.2773_2774delinsTG on transcript NM_015909.4 (MANE Select); coding-DNA positions 2773 to 2774, GA replaced by TG.
Protein change: p.Asp925Cys; replaces aspartic acid 925 with cysteine.
Molecular consequence: missense variant. On other transcripts: non-coding transcript variant (1).
Genome position (GRCh38, 1-based): chr2:15,415,709-15,415,710, TC replaced by CA on the plus strand (GA replaced by TG on the coding strand, the reverse complement: NBAS is on the minus strand). VCF-style: chr2-15415709-TC-CA. GRCh37 (hg19) VCF-style: chr2-15555833-TC-CA.
Other names: short protein forms D925C.
Identifiers: ClinVar variation 1480886 (VCV001480886.6), dbSNP rs2148459605, ClinGen allele CA2573133162.
Genomic context (GRCh38, chr2:15,415,709, plus strand): 5'-TGTTTCTCACAACGATGAAGAAAGGGAACCATCCACTGGTAGGCACTTGTCACATATTTA[TC>CA]CTCAGAACACTGAAAGTACAATCAAGCAAAACAGACAAACAAGAATGAAGTTAAACTAAA-3'
Protein context (NP_056993.2, residues 915-935): LRLLMNSCSE[Asp925Cys]KYVTSAYQWM

ClinVar aggregate classification (germline): Uncertain significance (1 of 4 stars; one submission).

Submission:

Labcorp Genetics (formerly Invitae), Labcorp
Classification: Uncertain significance. Last evaluated: 2021-06-03. Review status: criteria provided, single submitter. Criteria: Invitae Variant Classification Sherloc (09022015). Collection method: clinical testing. Allele origin: germline.
Comment: This variant has not been reported in the literature in individuals with NBAS-related conditions. In summary, the available evidence is currently insufficient to determine the role of this variant in disease. Therefore, it has been classified as a Variant of Uncertain Significance. Algorithms developed to predict the effect of missense changes on protein structure and function are either unavailable or do not agree on the potential impact of this missense change (SIFT: "Not Available"; PolyPhen-2: "Possibly Damaging"; Align-GVGD: "Not Available"). The frequency data for this variant in the population databases is not available, as this variant may be reported as separate entries in the ExAC database. This sequence change replaces aspartic acid with cysteine at codon 925 of the NBAS protein (p.Asp925Cys). The aspartic acid residue is highly conserved and there is a large physicochemical difference between aspartic acid and cysteine.